The following is an entry in ClinVar:

NM_024666.5(AAGAB):c.140G>A (p.Trp47Ter)

Gene: AAGAB (alpha and gamma adaptin binding protein; minus strand). Cytogenetic location: 15q23.
Variant type: single nucleotide variant.
Coding change: c.140G>A on transcript NM_024666.5 (MANE Select); coding-DNA position 140, G replaced by A.
Protein change: p.Trp47Ter; replaces tryptophan 47 with a stop codon.
Molecular consequence: nonsense. On other transcripts: 5 prime UTR variant (2).
Genome position (GRCh38, 1-based): chr15:67,236,754, C>T on the plus strand (G>A on the coding strand, the complement: AAGAB is on the minus strand). VCF-style: chr15-67236754-C-T. GRCh37 (hg19) VCF-style: chr15-67529092-C-T.
Other names: c.-188G>A (NM_001271885.2, NM_001271886.2); short protein forms W47*.
Identifiers: ClinVar variation 3026517 (VCV003026517.22), dbSNP rs2140380826, ClinGen allele CA392952987.
Genomic context (GRCh38, chr15:67,236,754, plus strand): 5'-AATTTGTTTGGCACCACACATAGATTGATGTCTGCTGAATAGTATTTATTATCAATGGTC[C>T]AGGGATAAAATCTCACAGCATCATTGGAAGTCACTTCCACAATAAGATCTTCTGTTCCAA-3'

ClinVar aggregate classification (germline): Pathogenic (1 of 4 stars; one submission).

Allele frequency attached by ClinVar (database versions not stated): gnomAD exomes below 0.00001.

Submission:

CeGaT Center for Human Genetics Tuebingen
Classification: Pathogenic. Last evaluated: 2024-01-01. Review status: criteria provided, single submitter. Criteria: CeGaT Center For Human Genetics Tuebingen Variant Classification Criteria Version 2. Collection method: clinical testing. Allele origin: germline. Affected: yes. Observed: 1 variant allele.
Comment: AAGAB: PVS1, PP1:Strong, PM2